The following is an entry in ClinVar:

NM_000179.3(MSH6):c.628-2A>T

Gene: MSH6 (mutS homolog 6; plus strand). Cytogenetic location: 2p16.3.
Variant type: single nucleotide variant.
Coding change: c.628-2A>T on transcript NM_000179.3 (MANE Select); the canonical splice acceptor site of the intron before coding-DNA position 628, A replaced by T.
Molecular consequence: splice acceptor variant. On other transcripts: intron variant (2).
Genome position (GRCh38, 1-based): chr2:47,798,609, A>T. VCF-style: chr2-47798609-A-T. GRCh37 (hg19) VCF-style: chr2-48025748-A-T.
Other names: c.628-2A>T (NM_001406809.1, NM_001406796.1, NM_001406808.1 and 4 more transcripts); c.-279-2A>T (NM_001406811.1, NM_001406814.1, NM_001281493.2 and 5 more transcripts); c.331-2A>T (NM_001406805.1, NM_001406797.1, NM_001406801.1 and 10 more transcripts); c.724-2A>T (NM_001406795.1, NM_001406802.1); c.634-2A>T (NM_001406813.1); c.103-2A>T (NM_001406807.1, NM_001406799.1, NM_001406806.1); c.628-2057A>T (NM_001407362.1); c.550-2A>T (NM_001406804.1); and 3 more.
Identifiers: ClinVar variation 935827 (VCV000935827.9), dbSNP rs1114167725, ClinGen allele CA346739196.

ClinVar aggregate classification (germline): Pathogenic/Likely pathogenic. Review status: criteria provided, multiple submitters, no conflicts (2 of 4 stars). 2 submissions from 2 submitters: Pathogenic (1); Likely pathogenic (1). Last evaluated 2026-03-17.

Conditions:
Hereditary cancer-predisposing syndrome. Also called: Hereditary Cancer Syndrome; Neoplastic Syndromes, Hereditary; Tumor predisposition; Hereditary neoplastic syndrome. Identifiers: Orphanet 140162, MedGen C0027672, MeSH D009386, MONDO:0015356.
Hereditary nonpolyposis colorectal neoplasms. Identifiers: MedGen C0009405, MeSH D003123.

Submissions (2):

Ambry Genetics
Classification: Likely pathogenic for Hereditary cancer-predisposing syndrome. Last evaluated: 2026-03-17. Review status: criteria provided, single submitter. Criteria: Ambry Variant Classification Scheme 2023. Collection method: clinical testing. Allele origin: germline.
Comment: The c.628-2A>T intronic variant results from an A to T substitution two nucleotides upstream from coding exon 4 in the MSH6 gene. This variant is considered to be rare based on population cohorts in the Genome Aggregation Database (gnomAD). This nucleotide position is highly conserved in available vertebrate species. In silico splice site analysis predicts that this alteration will weaken the native splice acceptor site and may result in the creation or strengthening of a novel splice acceptor site; however, direct evidence is insufficient at this time (Ambry internal data). Variants that disrupt the canonical splice site are expected to cause aberrant splicing, resulting in an abnormal protein or a transcript that is subject to nonsense-mediated mRNA decay. As such, this variant is classified as likely pathogenic.

Labcorp Genetics (formerly Invitae), Labcorp
Classification: Pathogenic for Hereditary nonpolyposis colorectal neoplasms. Last evaluated: 2025-01-15. Review status: criteria provided, single submitter. Criteria: Invitae Variant Classification Sherloc (09022015). Collection method: clinical testing. Allele origin: germline.
Comment: This sequence change affects an acceptor splice site in intron 3 of the MSH6 gene. RNA analysis indicates that disruption of this splice site induces altered splicing and may result in an absent or altered protein product. This variant is not present in population databases (gnomAD no frequency). This variant has not been reported in the literature in individuals affected with MSH6-related conditions. ClinVar contains an entry for this variant (Variation ID: 935827). Studies have shown that disruption of this splice site results in activation of a cryptic splice site, and produces a non-functional protein and/or introduces a premature termination codon (internal data). For these reasons, this variant has been classified as Pathogenic.